The following is an entry in ClinVar:

ClinVar aggregate classification (germline): Likely pathogenic (1 of 4 stars; one submission).

Submission:

Labcorp Genetics (formerly Invitae), Labcorp
Classification: Likely pathogenic. Last evaluated: 2022-11-28. Review status: criteria provided, single submitter. Criteria: Invitae Variant Classification Sherloc (09022015). Collection method: clinical testing. Allele origin: germline.
Comment: This sequence change affects an acceptor splice site in intron 45 of the MYO15A gene. It is expected to disrupt RNA splicing. Variants that disrupt the donor or acceptor splice site typically lead to a loss of protein function (PMID: 16199547), and loss-of-function variants in MYO15A are known to be pathogenic (PMID: 17546645). This variant is not present in population databases (gnomAD no frequency). This variant has not been reported in the literature in individuals affected with MYO15A-related conditions. Algorithms developed to predict the effect of sequence changes on RNA splicing suggest that this variant may disrupt the consensus splice site. In summary, the currently available evidence indicates that the variant is pathogenic, but additional data are needed to prove that conclusively. Therefore, this variant has been classified as Likely Pathogenic.

Literature cited by the submitters: PubMed 16199547; PubMed 17546645.

NM_016239.4(MYO15A):c.8225-2A>C

Gene: MYO15A (myosin XVA; plus strand). Cytogenetic location: 17p11.2.
Variant type: single nucleotide variant.
Coding change: c.8225-2A>C on transcript NM_016239.4 (MANE Select); the canonical splice acceptor site of the intron before coding-DNA position 8225, A replaced by C.
Molecular consequence: splice acceptor variant.
Genome position (GRCh38, 1-based): chr17:18,155,108, A>C. VCF-style: chr17-18155108-A-C. GRCh37 (hg19) VCF-style: chr17-18058422-A-C.
Identifiers: ClinVar variation 2817203 (VCV002817203.3), dbSNP rs2545297260, ClinGen allele CA398625859.